The following is an entry in ClinVar:

ClinVar aggregate classification (germline): Benign (1 of 4 stars; one submission).

Conditions:
Parietal foramina 2 (PFM2). Identifiers: Orphanet 60015, MedGen C1865044, MONDO:0012309, OMIM 609597.

Allele frequency attached by ClinVar (database versions not stated): gnomAD 0.01382 and 0.01480; TOPMed 0.01581; 1000 Genomes Project 0.01797; 1000 Genomes Project 30x 0.01968.

Submission:

Illumina Laboratory Services, Illumina
Classification: Benign for Parietal foramina 2. Last evaluated: 2018-01-12. Review status: criteria provided, single submitter. Criteria: ICSL Variant Classification Criteria 13 December 2019. Collection method: clinical testing. Allele origin: germline.
Comment: This variant was observed in the ICSL laboratory as part of a predisposition screen in an ostensibly healthy population. It had not been previously curated by ICSL or reported in the Human Gene Mutation Database (HGMD: prior to June 1st, 2018), and was therefore a candidate for classification through an automated scoring system. Utilizing variant allele frequency, disease prevalence and penetrance estimates, and inheritance mode, an automated score was calculated to assess if this variant is too frequent to cause the disease. Based on the score and internal cut-off values, a variant classified as benign is not then subjected to further curation. The score for this variant resulted in a classification of benign for this disease.

NM_021926.4(ALX4):c.*3596C>G

Gene: ALX4 (ALX homeobox 4; minus strand). Cytogenetic location: 11p11.2.
Variant type: single nucleotide variant.
Coding change: c.*3596C>G on transcript NM_021926.4 (MANE Select); 3596 bases downstream of the stop codon, C replaced by G.
Molecular consequence: 3 prime UTR variant.
Genome position (GRCh38, 1-based): chr11:44,261,258, G>C on the plus strand (C>G on the coding strand, the complement: ALX4 is on the minus strand). VCF-style: chr11-44261258-G-C. GRCh37 (hg19) VCF-style: chr11-44282808-G-C.
Other names: c.*3596C>G (LRG_1256t1).
Identifiers: ClinVar variation 304614 (VCV000304614.5), dbSNP rs11037919, ClinGen allele CA10634860.